The following is an entry in ClinVar:

NM_018714.3(COG1):c.2729+3_2729+9del

Gene: COG1 (component of oligomeric golgi complex 1; plus strand). Cytogenetic location: 17q25.1.
Variant type: Deletion.
Coding change: c.2729+3_2729+9del on transcript NM_018714.3 (MANE Select); bases 3 to 9 of the intron after coding-DNA position 2729, 7 bases deleted (AAAGGCT; older notation c.2729+3_2729+9delAAAGGCT).
Molecular consequence: splice donor variant.
Genome position (GRCh38, 1-based): chr17:73,206,820-73,206,826, AAAGGCT deleted; deleting any 7 consecutive bases within chr17:73,206,819-73,206,826 gives the same sequence; the c. name uses the placement nearest the transcript's 3' end. VCF-style (leftmost placement, unchanged base first): chr17-73206818-GTAAAGGC-G. GRCh37 (hg19) VCF-style: chr17-71202957-GTAAAGGC-G.
Other names: c.2729+3_2729+9delAAAGGCT (NM_018714.2).
Identifiers: ClinVar variation 1489523 (VCV001489523.5), dbSNP rs771485996, ClinGen allele CA8740587.
Genomic context (GRCh38, chr17:73,206,818, plus strand): 5'-CAGTACGTTCAACTCCCAAGAACCCCATAACATCCTGCCACTGGCATCCAGTCAGATCAG[GTAAAGGC>G]TGCCAAGAGGCTTCTGCGGGGCACTTCGGGAGGCCAAGGTGGACGGATCACGTCAGGAGA-3'

ClinVar aggregate classification (germline): Uncertain significance. Review status: criteria provided, multiple submitters, no conflicts (2 of 4 stars). 2 submissions from 2 submitters: Uncertain significance (2). Last evaluated 2022-01-17.

Conditions:
Inborn genetic diseases. Identifiers: MedGen C0950123, MeSH D030342.
COG1 congenital disorder of glycosylation (CDG2G). Also called: CDG IIg; CDGII/COG1 CEREBROCOSTOMANDIBULAR-LIKE SYNDROME; CONGENITAL DISORDER OF GLYCOSYLATION, TYPE IIg. Identifiers: Orphanet 263508, MedGen C2931011, MONDO:0012637, OMIM 611209.

Submissions (2):

Labcorp Genetics (formerly Invitae), Labcorp
Classification: Uncertain significance for COG1 congenital disorder of glycosylation. Last evaluated: 2022-01-17. Review status: criteria provided, single submitter. Criteria: Invitae Variant Classification Sherloc (09022015). Collection method: clinical testing. Allele origin: germline.
Comment: This variant has not been reported in the literature in individuals affected with COG1-related conditions. In summary, the available evidence is currently insufficient to determine the role of this variant in disease. Therefore, it has been classified as a Variant of Uncertain Significance. Variants that disrupt the consensus splice site are a relatively common cause of aberrant splicing (PMID: 17576681, 9536098). Algorithms developed to predict the effect of sequence changes on RNA splicing suggest that this variant may disrupt the consensus splice site. This variant is present in population databases (rs771485996, gnomAD 0.02%). This sequence change falls in intron 12 of the COG1 gene. It does not directly change the encoded amino acid sequence of the COG1 protein. It affects a nucleotide within the consensus splice site.

Ambry Genetics
Classification: Uncertain significance for Inborn genetic diseases. Last evaluated: 2021-03-07. Review status: criteria provided, single submitter. Criteria: Ambry Variant Classification Scheme 2023. Collection method: clinical testing. Allele origin: germline.
Comment: The c.2729+3_2729+9delAAAGGCT alteration is located in Intron 12 (E) of the COG1 gene. This alteration consists of a deletion of 7 nucleotides between nucleotide positions c.27293 and c.27299 Intron 12 (E). Based on insufficient or conflicting evidence, the clinical significance of this alteration remains unclear.

Literature cited by the submitters: PubMed 17576681 (cited by Labcorp Genetics (formerly Invitae), Labcorp); PubMed 9536098 (cited by Labcorp Genetics (formerly Invitae), Labcorp).